The following is an entry in ClinVar:

NM_006017.3(PROM1):c.1911+14G>A

Gene: PROM1 (prominin 1; minus strand). Cytogenetic location: 4p15.32.
Variant type: single nucleotide variant.
Coding change: c.1911+14G>A on transcript NM_006017.3 (MANE Select); 14 bases into the intron after coding-DNA position 1911, G replaced by A.
Molecular consequence: intron variant.
Genome position (GRCh38, 1-based): chr4:15,992,234, C>T on the plus strand (G>A on the coding strand, the complement: PROM1 is on the minus strand). VCF-style: chr4-15992234-C-T. GRCh37 (hg19) VCF-style: chr4-15993857-C-T.
Other names: c.1884+14G>A (NM_001145848.2, NM_001145852.2, NM_001145847.2 and 4 more transcripts); c.1911+14G>A (NM_001145850.2, NM_001145849.2).
Identifiers: ClinVar variation 347984 (VCV000347984.13), dbSNP rs79077926, ClinGen allele CA2866604.

ClinVar aggregate classification (germline): Conflicting classifications of pathogenicity. Review status: criteria provided, conflicting classifications (1 of 4 stars). 5 submissions from 2 submitters: Uncertain significance (1); Benign (3); Likely benign (1). Last evaluated 2026-01-27.

Conditions:
Retinal macular dystrophy type 2 (MCDR2). Also called: Bull's eye macular dystrophy. Identifiers: Orphanet 319640, MedGen C4749334, MONDO:0011957, OMIM 608051.
Retinitis pigmentosa (RP). Identifiers: Orphanet 791, MedGen C0035334, MeSH D012174, MONDO:0019200, OMIM 268000. Inheritance: Autosomal dominant, autosomal recessive and X linked inheritance.
Stargardt disease 4 (STGD4). Identifiers: Orphanet 827, MedGen C1863534, MONDO:0011370, OMIM 603786.
Cone-rod dystrophy 12 (CORD12). Identifiers: Orphanet 1872, MedGen C2675210, MONDO:0012983, OMIM 612657.

Allele frequency attached by ClinVar (database versions not stated): gnomAD exomes 0.00088 and 0.00163; ExAC 0.00192; gnomAD 0.00524 and 0.00565; TOPMed 0.00598; ESP Exome Variant Server 0.00600; 1000 Genomes Project 30x 0.00609; 1000 Genomes Project 0.00619.
gnomAD v4.1: 2,100 of 1,613,228 alleles (0.13%); highest among the groups gnomAD compares: African/African-American, 1.7%; 16 homozygotes.

Submissions (5):

Labcorp Genetics (formerly Invitae), Labcorp
Classification: Benign. Last evaluated: 2026-01-27. Review status: criteria provided, single submitter. Criteria: Invitae Variant Classification Sherloc (09022015). Collection method: clinical testing. Allele origin: germline.

Illumina Laboratory Services, Illumina
Classification: Benign for Cone-rod dystrophy 12. Last evaluated: 2018-01-13. Review status: criteria provided, single submitter. Criteria: ICSL Variant Classification Criteria 13 December 2019. Collection method: clinical testing. Allele origin: germline.
Comment: This variant was observed in the ICSL laboratory as part of a predisposition screen in an ostensibly healthy population. It had not been previously curated by ICSL or reported in the Human Gene Mutation Database (HGMD: prior to June 1st, 2018), and was therefore a candidate for classification through an automated scoring system. Utilizing variant allele frequency, disease prevalence and penetrance estimates, and inheritance mode, an automated score was calculated to assess if this variant is too frequent to cause the disease. Based on the score and internal cut-off values, a variant classified as benign is not then subjected to further curation. The score for this variant resulted in a classification of benign for this disease.

Illumina Laboratory Services, Illumina
Classification: Benign for Stargardt disease 4. Last evaluated: 2018-01-13. Review status: criteria provided, single submitter. Criteria: ICSL Variant Classification Criteria 13 December 2019. Collection method: clinical testing. Allele origin: germline.
Comment: the same text as in the submission from Illumina Laboratory Services, Illumina above.

Illumina Laboratory Services, Illumina
Classification: Likely benign for Retinal macular dystrophy type 2. Last evaluated: 2018-01-13. Review status: criteria provided, single submitter. Criteria: ICSL Variant Classification Criteria 13 December 2019. Collection method: clinical testing. Allele origin: germline.
Comment: This variant was observed in the ICSL laboratory as part of a predisposition screen in an ostensibly healthy population. It had not been previously curated by ICSL or reported in the Human Gene Mutation Database (HGMD: prior to June 1st, 2018), and was therefore a candidate for classification through an automated scoring system. Utilizing variant allele frequency, disease prevalence and penetrance estimates, and inheritance mode, an automated score was calculated to assess if this variant is too frequent to cause the disease. Based on the score and internal cut-off values, a variant classified as likely benign is not then subjected to further curation. The score for this variant resulted in a classification of likely benign for this disease.

Illumina Laboratory Services, Illumina
Classification: Uncertain significance for Retinitis pigmentosa. Last evaluated: 2018-01-13. Review status: criteria provided, single submitter. Criteria: ICSL Variant Classification Criteria 13 December 2019. Collection method: clinical testing. Allele origin: germline.